The following is an entry in ClinVar:

NM_001037335.2(HELZ2):c.7908C>T (p.Ala2636=)

Gene: HELZ2 (helicase with zinc finger 2; minus strand). Cytogenetic location: 20q13.33.
Variant type: single nucleotide variant.
Coding change: c.7908C>T on transcript NM_001037335.2 (MANE Select); coding-DNA position 7908, C replaced by T.
Protein change: p.Ala2636=; no amino-acid change (alanine 2636 retained).
Molecular consequence: synonymous variant.
Genome position (GRCh38, 1-based): chr20:63,559,288, G>A on the plus strand (C>T on the coding strand, the complement: HELZ2 is on the minus strand). VCF-style: chr20-63559288-G-A. GRCh37 (hg19) VCF-style: chr20-62190641-G-A.
Other names: c.6201C>T, p.Ala2067= (NM_033405.3).
Identifiers: ClinVar variation 2652546 (VCV002652546.24), dbSNP rs80025449, ClinGen allele CA9960926.

ClinVar aggregate classification (germline): Likely benign (1 of 4 stars; one submission).

Allele frequency attached by ClinVar (database versions not stated): 1000 Genomes Project 0.00220; 1000 Genomes Project 30x 0.00234; TOPMed 0.00449; gnomAD 0.00584; ESP Exome Variant Server 0.00679; ExAC 0.01347.
gnomAD v4.1: 12,685 of 1,592,092 alleles (0.8%); highest among the groups gnomAD compares: Non-Finnish European, 0.95%; 69 homozygotes.

Submission:

CeGaT Center for Human Genetics Tuebingen
Classification: Likely benign. Last evaluated: 2023-03-01. Review status: criteria provided, single submitter. Criteria: CeGaT Center For Human Genetics Tuebingen Variant Classification Criteria Version 2. Collection method: clinical testing. Allele origin: germline. Affected: yes. Observed: 3 variant alleles.
Comment: HELZ2: BP4, BP7, BS2